The following is an entry in ClinVar:

ClinVar aggregate classification (germline): Uncertain significance (0 of 4 stars; one submission).

Conditions:
SLC6A8-related disorder. Also called: SLC6A8-related condition.

Submission:

PreventionGenetics, part of Exact Sciences
Classification: Uncertain significance for SLC6A8-related condition. Last evaluated: 2023-12-21. Review status: no assertion criteria provided. Collection method: clinical testing. Allele origin: germline.
Comment: The SLC6A8 c.1853C>A variant is predicted to result in the amino acid substitution p.Thr618Asn. To our knowledge, this variant has not been reported in the literature or in a large population database, indicating this variant is rare. At this time, the clinical significance of this variant is uncertain due to the absence of conclusive functional and genetic evidence.

NM_005629.4(SLC6A8):c.1853C>A (p.Thr618Asn)

Gene: SLC6A8 (solute carrier family 6 member 8; plus strand). Cytogenetic location: Xq28.
Variant type: single nucleotide variant.
Coding change: c.1853C>A on transcript NM_005629.4 (MANE Select); coding-DNA position 1853, C replaced by A.
Protein change: p.Thr618Asn; replaces threonine 618 with asparagine.
Molecular consequence: missense variant.
Genome position (GRCh38, 1-based): chrX:153,695,159, C>A. VCF-style: chrX-153695159-C-A. GRCh37 (hg19) VCF-style: chrX-152960614-C-A.
Other names: c.1823C>A, p.Thr608Asn (NM_001142805.2); c.1508C>A, p.Thr503Asn (NM_001142806.1); short protein forms T503N, T608N, T618N.
Identifiers: ClinVar variation 3050969 (VCV003050969.2), dbSNP rs1557045853, ClinGen allele CA415091230.